The following is an entry in ClinVar:

NM_031220.4(PITPNM3):c.239C>G (p.Ala80Gly)

Gene: PITPNM3 (PITPNM family member 3; minus strand). Cytogenetic location: 17p13.1.
Variant type: single nucleotide variant.
Coding change: c.239C>G on transcript NM_031220.4 (MANE Select); coding-DNA position 239, C replaced by G.
Protein change: p.Ala80Gly; replaces alanine 80 with glycine.
Molecular consequence: missense variant.
Genome position (GRCh38, 1-based): chr17:6,503,562, G>C on the plus strand (C>G on the coding strand, the complement: PITPNM3 is on the minus strand). VCF-style: chr17-6503562-G-C. GRCh37 (hg19) VCF-style: chr17-6406882-G-C.
Other names: c.131C>G, p.Ala44Gly (NM_001165966.2); c.239C>G (NM_031220.3); short protein forms A44G, A80G.
Identifiers: ClinVar variation 1426709 (VCV001426709.10), dbSNP rs144918108, ClinGen allele CA8329902.
Genomic context (GRCh38, chr17:6,503,562, plus strand): 5'-CCCCACAGGGTCAGGCTTGACTCACGCTGCTTCTCCTGGAGGATGCTGGATGTGCACGGC[G>C]CGGTCCCTTCTCCTGCAGAAAAAGAAAAGAAACATGAGCAGATCCTTGACACTGTTGCCA-3'
Protein context (NP_112497.2, residues 70-90): KLDEHQGEGT[Ala80Gly]PCTSSILQEK

ClinVar aggregate classification (germline): Uncertain significance. Review status: criteria provided, multiple submitters, no conflicts (2 of 4 stars). 3 submissions from 3 submitters: Uncertain significance (3). Last evaluated 2025-12-16.

Submissions (3):

Ambry Genetics
Classification: Uncertain significance. Last evaluated: 2025-12-16. Review status: criteria provided, single submitter. Criteria: Ambry Variant Classification Scheme 2023. Collection method: clinical testing. Allele origin: germline.

Labcorp Genetics (formerly Invitae), Labcorp
Classification: Uncertain significance. Last evaluated: 2025-10-27. Review status: criteria provided, single submitter. Criteria: Invitae Variant Classification Sherloc (09022015). Collection method: clinical testing. Allele origin: germline.
Comment: This sequence change replaces alanine, which is neutral and non-polar, with glycine, which is neutral and non-polar, at codon 80 of the PITPNM3 protein (p.Ala80Gly). This variant is not present in population databases (gnomAD no frequency). This variant has not been reported in the literature in individuals affected with PITPNM3-related conditions. ClinVar contains an entry for this variant (Variation ID: 1426709). An algorithm developed to predict the effect of missense changes on protein structure and function (PolyPhen-2) suggests that this variant is likely to be tolerated. In summary, the available evidence is currently insufficient to determine the role of this variant in disease. Therefore, it has been classified as a Variant of Uncertain Significance.

Blueprint Genetics
Classification: Uncertain significance. Last evaluated: 2024-10-23. Review status: criteria provided, single submitter. Criteria: ACMG Guidelines, 2015. Collection method: clinical testing. Allele origin: germline.